The following is an entry in ClinVar:

NM_001854.4(COL11A1):c.2008G>A (p.Gly670Ser)

Gene: COL11A1 (collagen type XI alpha 1 chain; minus strand). Cytogenetic location: 1p21.1.
Variant type: single nucleotide variant.
Coding change: c.2008G>A on transcript NM_001854.4 (MANE Select); coding-DNA position 2008, G replaced by A.
Protein change: p.Gly670Ser; replaces glycine 670 with serine.
Molecular consequence: missense variant. On other transcripts: non-coding transcript variant (1).
Genome position (GRCh38, 1-based): chr1:103,002,782, C>T on the plus strand (G>A on the coding strand, the complement: COL11A1 is on the minus strand). VCF-style: chr1-103002782-C-T. GRCh37 (hg19) VCF-style: chr1-103468338-C-T.
Other names: c.1891G>A, p.Gly631Ser (NM_001190709.2); c.2044G>A, p.Gly682Ser (NM_080629.3); c.1660G>A, p.Gly554Ser (NM_080630.4); short protein forms G554S, G631S, G670S, G682S.
Identifiers: ClinVar variation 5037213 (VCV005037213.1).

ClinVar aggregate classification (germline): Uncertain significance (1 of 4 stars; one submission).

Submission:

GeneDx
Classification: Uncertain significance. Last evaluated: 2026-04-15. Review status: criteria provided, single submitter. Criteria: GeneDx Variant Classification Process June 2021. Collection method: clinical testing. Allele origin: germline.
Comment: Not observed at significant frequency in large population cohorts (gnomAD); In silico analysis supports that this missense variant has a deleterious effect on protein structure/function; Has not been previously published as pathogenic or benign to our knowledge; This variant is associated with the following publications: (PMID: 25240749)